The following is an entry in ClinVar:

ClinVar aggregate classification (germline): Uncertain significance (1 of 4 stars; one submission).

Conditions:
Cardiovascular phenotype. Identifiers: MedGen CN230736.

Submission:

Ambry Genetics
Classification: Uncertain significance for Cardiovascular phenotype. Last evaluated: 2025-11-15. Review status: criteria provided, single submitter. Criteria: Ambry Variant Classification Scheme 2023. Collection method: clinical testing. Allele origin: germline.
Comment: The p.A34D variant (also known as c.101C>A), located in coding exon 1 of the CYP27A1 gene, results from a C to A substitution at nucleotide position 101. The alanine at codon 34 is replaced by aspartic acid, an amino acid with dissimilar properties. This amino acid position is conserved. In addition, the in silico prediction for this alteration is inconclusive. Based on the available evidence, the clinical significance of this variant remains unclear.

NM_000784.4(CYP27A1):c.101C>A (p.Ala34Asp)

Gene: CYP27A1 (cytochrome P450 family 27 subfamily A member 1; plus strand). Cytogenetic location: 2q35.
Variant type: single nucleotide variant.
Coding change: c.101C>A on transcript NM_000784.4 (MANE Select); coding-DNA position 101, C replaced by A.
Protein change: p.Ala34Asp; replaces alanine 34 with aspartic acid.
Molecular consequence: missense variant.
Genome position (GRCh38, 1-based): chr2:218,782,283, C>A. VCF-style: chr2-218782283-C-A. GRCh37 (hg19) VCF-style: chr2-219647006-C-A.
Other names: short protein forms A34D.
Identifiers: ClinVar variation 4613953 (VCV004613953.1).